The following is an entry in ClinVar:

NM_000553.6(WRN):c.1540A>G (p.Asn514Asp)

Gene: WRN (WRN RecQ like helicase; plus strand). Cytogenetic location: 8p12.
Variant type: single nucleotide variant.
Coding change: c.1540A>G on transcript NM_000553.6 (MANE Select); coding-DNA position 1540, A replaced by G.
Protein change: p.Asn514Asp; replaces asparagine 514 with aspartic acid.
Molecular consequence: missense variant.
Genome position (GRCh38, 1-based): chr8:31,087,884, A>G. VCF-style: chr8-31087884-A-G. GRCh37 (hg19) VCF-style: chr8-30945400-A-G.
Other names: short protein forms N514D.
Identifiers: ClinVar variation 965437 (VCV000965437.6), dbSNP rs1813596844, ClinGen allele CA370924716.

ClinVar aggregate classification (germline): Uncertain significance. Review status: criteria provided, multiple submitters, no conflicts (2 of 4 stars). 2 submissions from 2 submitters: Uncertain significance (2). Last evaluated 2024-05-20.

Conditions:
Inborn genetic diseases. Identifiers: MedGen C0950123, MeSH D030342.
Werner syndrome (WRN). Identifiers: Orphanet 902, MedGen C0043119, MONDO:0010196, OMIM 277700.

gnomAD v4.1: 1 of 1,613,612 alleles (0.000062%); highest among the groups gnomAD compares: African/African-American, 0.0013%; no homozygotes.

Submissions (2):

Ambry Genetics
Classification: Uncertain significance for Inborn genetic diseases. Last evaluated: 2024-05-20. Review status: criteria provided, single submitter. Criteria: Ambry Variant Classification Scheme 2023. Collection method: clinical testing. Allele origin: germline.

Labcorp Genetics (formerly Invitae), Labcorp
Classification: Uncertain significance for Werner syndrome. Last evaluated: 2023-10-10. Review status: criteria provided, single submitter. Criteria: Invitae Variant Classification Sherloc (09022015). Collection method: clinical testing. Allele origin: germline.
Comment: This sequence change replaces asparagine, which is neutral and polar, with aspartic acid, which is acidic and polar, at codon 514 of the WRN protein (p.Asn514Asp). This variant is not present in population databases (gnomAD no frequency). This variant has not been reported in the literature in individuals affected with WRN-related conditions. ClinVar contains an entry for this variant (Variation ID: 965437). Algorithms developed to predict the effect of missense changes on protein structure and function output the following: SIFT: "Not Available"; PolyPhen-2: "Benign"; Align-GVGD: "Not Available". The aspartic acid amino acid residue is found in multiple mammalian species, which suggests that this missense change does not adversely affect protein function. In summary, the available evidence is currently insufficient to determine the role of this variant in disease. Therefore, it has been classified as a Variant of Uncertain Significance.